The following is an entry in ClinVar:

ClinVar aggregate classification (germline): Uncertain significance. Review status: criteria provided, multiple submitters, no conflicts (2 of 4 stars). 2 submissions from 2 submitters: Uncertain significance (2). Last evaluated 2023-02-01.

Conditions:
Hereditary cancer-predisposing syndrome. Also called: Hereditary neoplastic syndrome; Neoplastic Syndromes, Hereditary; Hereditary Cancer Syndrome; Tumor predisposition. Identifiers: Orphanet 140162, MedGen C0027672, MeSH D009386, MONDO:0015356.
Familial cancer of breast. Also called: BREAST CANCER, FAMILIAL; Hereditary breast cancer; hereditary breast carcinoma. Identifiers: Orphanet 227535, MedGen C0346153, MONDO:0016419, OMIM 114480. Disease mechanism: loss of function.

Submissions (2):

Labcorp Genetics (formerly Invitae), Labcorp
Classification: Uncertain significance for Familial cancer of breast. Last evaluated: 2023-02-01. Review status: criteria provided, single submitter. Criteria: Invitae Variant Classification Sherloc (09022015). Collection method: clinical testing. Allele origin: germline.
Comment: This variant is not present in population databases (gnomAD no frequency). This sequence change replaces alanine, which is neutral and non-polar, with valine, which is neutral and non-polar, at codon 247 of the CHEK2 protein (p.Ala247Val). This variant has not been reported in the literature in individuals affected with CHEK2-related conditions. ClinVar contains an entry for this variant (Variation ID: 530197). Algorithms developed to predict the effect of missense changes on protein structure and function are either unavailable or do not agree on the potential impact of this missense change (SIFT: "Deleterious"; PolyPhen-2: "Probably Damaging"; Align-GVGD: "Class C0"). In summary, the available evidence is currently insufficient to determine the role of this variant in disease. Therefore, it has been classified as a Variant of Uncertain Significance.

Ambry Genetics
Classification: Uncertain significance for Hereditary cancer-predisposing syndrome. Last evaluated: 2022-09-28. Review status: criteria provided, single submitter. Criteria: Ambry Variant Classification Scheme 2023. Collection method: clinical testing. Allele origin: germline.
Comment: The p.A247V variant (also known as c.740C>T), located in coding exon 5 of the CHEK2 gene, results from a C to T substitution at nucleotide position 740. The alanine at codon 247 is replaced by valine, an amino acid with similar properties. This alteration has been reported with a carrier frequency of 0.00013 in 7636 unselected prostate cancer patients and 0.00 in 12366 male controls of Japanese ancestry (Momozawa Y et al. J Natl Cancer Inst, 2020 04;112:369-376). This amino acid position is highly conserved in available vertebrate species. In addition, this alteration is predicted to be deleterious by in silico analysis. Since supporting evidence is limited at this time, the clinical significance of this alteration remains unclear.

Literature cited by the submitters: PubMed 31214711 (cited by Ambry Genetics).

NM_007194.4(CHEK2):c.740C>T (p.Ala247Val)

Gene: CHEK2 (checkpoint kinase 2; minus strand). Cytogenetic location: 22q12.1.
Variant type: single nucleotide variant.
Coding change: c.740C>T on transcript NM_007194.4 (MANE Select); coding-DNA position 740, C replaced by T.
Protein change: p.Ala247Val; replaces alanine 247 with valine.
Molecular consequence: missense variant.
Genome position (GRCh38, 1-based): chr22:28,711,961, G>A on the plus strand (C>T on the coding strand, the complement: CHEK2 is on the minus strand). VCF-style: chr22-28711961-G-A. GRCh37 (hg19) VCF-style: chr22-29107949-G-A.
Other names: c.869C>T, p.Ala290Val (NM_001005735.3); c.77C>T, p.Ala26Val (NM_001257387.3); c.539C>T, p.Ala180Val (NM_001349956.3); c.740C>T, p.Ala247Val (NM_145862.3); short protein forms A247V, A290V, A180V, A26V.
Identifiers: ClinVar variation 530197 (VCV000530197.12), dbSNP rs1064795978, ClinGen allele CA411103262.
Genomic context (GRCh38, chr22:28,711,961, plus strand): 5'-GTACTTACTGCCTCTCTTGCTGAACCAATAGCAAACTTCCTTTTGCTGATGATCTTTATG[G>A]CTACTTTCTTACATGTTTTCCTCTCGAAAGCCAGCTTTACCTCTCCACAGGCACCACTAG-3'
Protein context (NP_009125.1, residues 237-257): AFERKTCKKV[Ala247Val]IKIISKRKFA